The following is an entry in ClinVar:

NM_206933.4(USH2A):c.9258+1G>T

Gene: USH2A (usherin; minus strand). Cytogenetic location: 1q41.
Variant type: single nucleotide variant.
Coding change: c.9258+1G>T on transcript NM_206933.4 (MANE Select); the canonical splice donor site of the intron after coding-DNA position 9258, G replaced by T.
Molecular consequence: splice donor variant.
Genome position (GRCh38, 1-based): chr1:215,844,293, C>A on the plus strand (G>T on the coding strand, the complement: USH2A is on the minus strand). VCF-style: chr1-215844293-C-A. GRCh37 (hg19) VCF-style: chr1-216017635-C-A.
Identifiers: ClinVar variation 555604 (VCV000555604.18), dbSNP rs748810737, ClinGen allele CA344838406.

ClinVar aggregate classification (germline): Pathogenic/Likely pathogenic. Review status: criteria provided, multiple submitters, no conflicts (2 of 4 stars). 9 submissions from 8 submitters: Pathogenic (5); Likely pathogenic (3). 1 of the submissions does not count toward it. Last evaluated 2025-12-26.

Conditions:
Usher syndrome. Also called: Usher Syndromes; Usher's syndrome. Identifiers: Orphanet 886, MedGen CN469326, MeSH D052245, MONDO:0019501. Disease mechanism: loss of function.
Retinal dystrophy. Also called: Inherited retinal dystrophy. Identifiers: Orphanet 71862, MedGen C0854723, MeSH D058499, MONDO:0019118, HP:0000556.
Usher syndrome type 2A. Also called: RETINAL DISEASE IN USHER SYNDROME TYPE IIA, MODIFIER OF; USHER SYNDROME, TYPE IIA. Identifiers: Orphanet 231178, Orphanet 886, MedGen C1848634, MONDO:0010169, OMIM 276901.
Retinitis pigmentosa 39 (RP39). Identifiers: Orphanet 791, MedGen C3151138, MONDO:0013436, OMIM 613809.
USH2A-related disorder. Also called: USH2A-related disorders; USH2A-related condition. Identifiers: MedGen CN239332.

gnomAD v4.1: 1 of 1,613,376 alleles (0.000062%); highest among the groups gnomAD compares: East Asian, 0.0022%; no homozygotes.

Submissions (9):

Natera, Inc.
Classification: Pathogenic for Usher syndrome type 2A. Last evaluated: 2025-12-26. Review status: criteria provided, single submitter. Criteria: Natera Variant Classification Schema (03/2026). Collection method: clinical testing. Allele origin: germline.
Comment: The c.9258+1G>T variant in USH2A is a canonical splice donor site variant predicted to affect pre-mRNA splicing, which may result in an abnormal transcript and altered protein product. This variant is expected to result in nonsense mediated decay, truncation, or a dysfunctional protein product. This variant is rare in the general population with a frequency below the threshold expected for the associated phenotype(s). This variant has been observed in one or more individuals affected with the associated recessive disease, as either homozygous or compound heterozygous with a second variant (PMID: 30902645). Another variant at this same site results in an alteration predicted to cause a similar molecular effect has been observed in individual(s) with the associated phenotype. Given the available evidence, this variant is classified as Pathogenic.

Blueprint Genetics
Classification: Pathogenic for USH2A-related disorders. Last evaluated: 2024-10-02. Review status: criteria provided, single submitter. Criteria: ACMG Guidelines, 2015. Collection method: clinical testing. Allele origin: germline. Affected: yes. Observed: 2 variant alleles.

Baylor Genetics
Classification: Likely pathogenic for Retinitis pigmentosa 39. Last evaluated: 2023-12-02. Review status: criteria provided, single submitter. Criteria: ACMG Guidelines, 2015. Collection method: clinical testing. Allele origin: unknown.

Dept Of Ophthalmology, Nagoya University
Classification: Pathogenic for Retinal dystrophy. Last evaluated: 2023-10-01. Review status: criteria provided, single submitter. Criteria: Submitter's publication. Collection method: research. Allele origin: germline. Affected: yes.

Women's Health and Genetics/Laboratory Corporation of America, LabCorp
Classification: Pathogenic for Usher syndrome. Last evaluated: 2023-04-26. Review status: criteria provided, single submitter. Criteria: LabCorp Variant Classification Summary - May 2015. Collection method: clinical testing. Allele origin: germline.
Comment: Variant summary: USH2A c.9258+1G>T is located in a canonical splice-site and is predicted to affect mRNA splicing resulting in a significantly altered protein due to either exon skipping, shortening, or inclusion of intronic material. Several computational tools predict a significant impact on normal splicing: Three predict the variant abolishes the canonical 5' splicing donor site. However, to our knowledge these predictions have yet to be confirmed by functional studies. The variant was absent in 250118 control chromosomes (gnomAD). c.9258+1G>T has been reported in the literature in individuals affected with retinitis pigmentosa (example: Koyanagi_2019, Martin-Merida_2019, Kim_2021, and Ma_2021). These data indicate that the variant is likely to be associated with disease. The following publications have been ascertained in the context of this evaluation (PMID: 31213501, 30902645, 33946315, 33691693). Three clinical diagnostic laboratories have submitted clinical-significance assessments for this variant to ClinVar after 2014 and all classified the variant as pathogenic/likely pathogenic. Based on the evidence outlined above, the variant was classified as pathogenic.

Genome-Nilou Lab
Classification: Likely pathogenic for Retinitis pigmentosa 39. Last evaluated: 2023-04-11. Review status: criteria provided, single submitter. Criteria: ACMG Guidelines, 2015. Collection method: clinical testing. Allele origin: germline. Affected: no.

Genome-Nilou Lab
Classification: Likely pathogenic for Usher syndrome type 2A. Last evaluated: 2023-04-11. Review status: criteria provided, single submitter. Criteria: ACMG Guidelines, 2015. Collection method: clinical testing. Allele origin: germline. Affected: no.

Labcorp Genetics (formerly Invitae), Labcorp
Classification: Pathogenic. Last evaluated: 2022-10-18. Review status: criteria provided, single submitter. Criteria: Invitae Variant Classification Sherloc (09022015). Collection method: clinical testing. Allele origin: germline.
Comment: This sequence change affects a donor splice site in intron 46 of the USH2A gene. It is expected to disrupt RNA splicing. Variants that disrupt the donor or acceptor splice site typically lead to a loss of protein function (PMID: 16199547), and loss-of-function variants in USH2A are known to be pathogenic (PMID: 10729113, 10909849, 20507924, 25649381). This variant is not present in population databases (gnomAD no frequency). Disruption of this splice site has been observed in individuals with retinitis pigmentosa (PMID: 30902645, 31047384). ClinVar contains an entry for this variant (Variation ID: 555604). Algorithms developed to predict the effect of sequence changes on RNA splicing suggest that this variant may disrupt the consensus splice site. For these reasons, this variant has been classified as Pathogenic.

Counsyl
Classification: Likely pathogenic for Usher syndrome type 2A; Retinitis pigmentosa 39. Last evaluated: 2017-12-14. Review status: no assertion criteria provided. Collection method: clinical testing. Allele origin: unknown. Not counted in ClinVar's aggregate classification.

Literature cited by the submitters: PubMed 30902645 (cited by 3 submitters); PubMed 31213501 (cited by Women's Health and Genetics/Laboratory Corporation of America, LabCorp); PubMed 33691693 (cited by Women's Health and Genetics/Laboratory Corporation of America, LabCorp); PubMed 33946315 (cited by Women's Health and Genetics/Laboratory Corporation of America, LabCorp); PubMed 16199547 (cited by Labcorp Genetics (formerly Invitae), Labcorp); PubMed 10729113 (cited by Labcorp Genetics (formerly Invitae), Labcorp); PubMed 10909849 (cited by Labcorp Genetics (formerly Invitae), Labcorp); PubMed 20507924 (cited by Labcorp Genetics (formerly Invitae), Labcorp); PubMed 25649381 (cited by Labcorp Genetics (formerly Invitae), Labcorp); PubMed 31047384 (cited by Labcorp Genetics (formerly Invitae), Labcorp).